The following is an entry in ClinVar:

ClinVar aggregate classification (germline): Uncertain significance (1 of 4 stars; one submission).

Conditions:
Emery-Dreifuss muscular dystrophy 5, autosomal dominant (EDMD5). Also called: EMERY-DREIFUSS MUSCULAR DYSTROPHY 5. Identifiers: Orphanet 261, MedGen C2751805, MONDO:0013072, OMIM 612999.

gnomAD v4.1: 2 of 1,614,046 alleles (0.00012%); highest among the groups gnomAD compares: Non-Finnish European, 0.00017%; no homozygotes.

Submission:

Labcorp Genetics (formerly Invitae), Labcorp
Classification: Uncertain significance for Emery-Dreifuss muscular dystrophy 5, autosomal dominant. Last evaluated: 2023-12-10. Review status: criteria provided, single submitter. Criteria: Invitae Variant Classification Sherloc (09022015). Collection method: clinical testing. Allele origin: germline.
Comment: This sequence change replaces leucine, which is neutral and non-polar, with arginine, which is basic and polar, at codon 332 of the SYNE2 protein (p.Leu332Arg). This variant is not present in population databases (gnomAD no frequency). This variant has not been reported in the literature in individuals affected with SYNE2-related conditions. ClinVar contains an entry for this variant (Variation ID: 1430110). An algorithm developed to predict the effect of missense changes on protein structure and function (PolyPhen-2) suggests that this variant is likely to be disruptive. In summary, the available evidence is currently insufficient to determine the role of this variant in disease. Therefore, it has been classified as a Variant of Uncertain Significance.

NM_182914.3(SYNE2):c.995T>G (p.Leu332Arg)

Gene: SYNE2 (spectrin repeat containing nuclear envelope protein 2; plus strand). Cytogenetic location: 14q23.2.
Variant type: single nucleotide variant.
Coding change: c.995T>G on transcript NM_182914.3 (MANE Select); coding-DNA position 995, T replaced by G.
Protein change: p.Leu332Arg; replaces leucine 332 with arginine.
Molecular consequence: missense variant.
Genome position (GRCh38, 1-based): chr14:63,967,713, T>G. VCF-style: chr14-63967713-T-G. GRCh37 (hg19) VCF-style: chr14-64434431-T-G.
Other names: c.995T>G, p.Leu332Arg (NM_015180.6); short protein forms L332R.
Identifiers: ClinVar variation 1430110 (VCV001430110.8), dbSNP rs2153454245, ClinGen allele CA389950340.